The following is an entry in ClinVar:

ClinVar aggregate classification (germline): Uncertain significance. Review status: criteria provided, multiple submitters, no conflicts (2 of 4 stars). 2 submissions from 2 submitters: Uncertain significance (2). Last evaluated 2023-05-23.

Conditions:
Orthostatic hypotension 1 (ORTHYP1). Also called: Orthostatic hypotension 1, due to DBH deficiency; NORADRENALINE DEFICIENCY; NOREPINEPHRINE DEFICIENCY; Dopamine beta-hydroxylase deficiency. Identifiers: Orphanet 230, MedGen C4746777, MONDO:0009123, OMIM 223360.
Inborn genetic diseases. Identifiers: MedGen C0950123, MeSH D030342.

Allele frequency attached by ClinVar (database versions not stated): gnomAD exomes 0.00005 and 0.00008; ESP Exome Variant Server 0.00008; ExAC 0.00012; 1000 Genomes Project 30x 0.00016; gnomAD 0.00017 and 0.00018; 1000 Genomes Project 0.00020.
gnomAD v4.1: 101 of 1,613,724 alleles (0.0063%); highest among the groups gnomAD compares: African/African-American, 0.04%; no homozygotes.

Submissions (2):

Ambry Genetics
Classification: Uncertain significance for Inborn genetic diseases. Last evaluated: 2023-05-23. Review status: criteria provided, single submitter. Criteria: Ambry Variant Classification Scheme 2023. Collection method: clinical testing. Allele origin: germline.

Labcorp Genetics (formerly Invitae), Labcorp
Classification: Uncertain significance for Orthostatic hypotension 1. Last evaluated: 2022-07-18. Review status: criteria provided, single submitter. Criteria: Invitae Variant Classification Sherloc (09022015). Collection method: clinical testing. Allele origin: germline.
Comment: This sequence change replaces valine, which is neutral and non-polar, with methionine, which is neutral and non-polar, at codon 454 of the DBH protein (p.Val454Met). This variant is present in population databases (rs374691514, gnomAD 0.05%). This variant has not been reported in the literature in individuals affected with DBH-related conditions. ClinVar contains an entry for this variant (Variation ID: 1422704). Algorithms developed to predict the effect of missense changes on protein structure and function are either unavailable or do not agree on the potential impact of this missense change (SIFT: "Deleterious"; PolyPhen-2: "Probably Damaging"; Align-GVGD: "Class C0"). In summary, the available evidence is currently insufficient to determine the role of this variant in disease. Therefore, it has been classified as a Variant of Uncertain Significance.

NM_000787.4(DBH):c.1360G>A (p.Val454Met)

Gene: DBH (dopamine beta-hydroxylase; plus strand). Cytogenetic location: 9q34.2.
Variant type: single nucleotide variant.
Coding change: c.1360G>A on transcript NM_000787.4 (MANE Select); coding-DNA position 1360, G replaced by A.
Protein change: p.Val454Met; replaces valine 454 with methionine.
Molecular consequence: missense variant.
Genome position (GRCh38, 1-based): chr9:133,652,270, G>A. VCF-style: chr9-133652270-G-A. GRCh37 (hg19) VCF-style: chr9-136517392-G-A.
Other names: c.1360G>A (NM_000787.3); short protein forms V454M.
Identifiers: ClinVar variation 1422704 (VCV001422704.6), dbSNP rs374691514, ClinGen allele CA5313465.